The following is an entry in ClinVar:

ClinVar aggregate classification (germline): Benign. Review status: criteria provided, single submitter (1 of 4 stars). 2 submissions from 2 submitters: Benign (1). 1 of the submissions does not count toward it. Last evaluated 2023-11-27.

Conditions:
TG-related disorder. Also called: TG-related disorders; TG-related condition.

Allele frequency attached by ClinVar (database versions not stated): TOPMed 0.00001; gnomAD 0.00004; gnomAD exomes 0.00005; ExAC 0.00012; 1000 Genomes Project 30x 0.00031; 1000 Genomes Project 0.00040.
gnomAD v4.1: 70 of 1,614,008 alleles (0.0043%); highest among the groups gnomAD compares: South Asian, 0.075%; 1 homozygote.

Submissions (2):

Labcorp Genetics (formerly Invitae), Labcorp
Classification: Benign. Last evaluated: 2023-11-27. Review status: criteria provided, single submitter. Criteria: Invitae Variant Classification Sherloc (09022015). Collection method: clinical testing. Allele origin: germline.

PreventionGenetics, part of Exact Sciences
Classification: Likely benign for TG-related condition. Last evaluated: 2019-07-23. Review status: no assertion criteria provided. Collection method: clinical testing. Allele origin: germline. Not counted in ClinVar's aggregate classification.
Comment: This variant is classified as likely benign based on ACMG/AMP sequence variant interpretation guidelines (Richards et al. 2015 PMID: 25741868, with internal and published modifications).

NM_003235.5(TG):c.6933T>C (p.Ser2311=)

Gene: TG (thyroglobulin; plus strand). Cytogenetic location: 8q24.22.
Variant type: single nucleotide variant.
Coding change: c.6933T>C on transcript NM_003235.5 (MANE Select); coding-DNA position 6933, T replaced by C.
Protein change: p.Ser2311=; no amino-acid change (serine 2311 retained).
Molecular consequence: synonymous variant.
Genome position (GRCh38, 1-based): chr8:133,022,047, T>C. VCF-style: chr8-133022047-T-C. GRCh37 (hg19) VCF-style: chr8-134034292-T-C.
Other names: c.6933T>C (NM_003235.4).
Identifiers: ClinVar variation 2721105 (VCV002721105.5), dbSNP rs568446863, ClinGen allele CA4885079.